The following is an entry in ClinVar:

ClinVar aggregate classification (germline): Uncertain significance (1 of 4 stars; one submission).

Conditions:
Brugada syndrome 8 (BRGDA8). Identifiers: Orphanet 130, MedGen C2751083, MONDO:0013148, OMIM 613123.

Submission:

Labcorp Genetics (formerly Invitae), Labcorp
Classification: Uncertain significance for Brugada syndrome 8. Last evaluated: 2024-02-23. Review status: criteria provided, single submitter. Criteria: Invitae Variant Classification Sherloc (09022015). Collection method: clinical testing. Allele origin: germline.
Comment: This sequence change creates a premature translational stop signal (p.Arg387Thrfs*61) in the HCN4 gene. It is expected to result in an absent or disrupted protein product. However, the current clinical and genetic evidence is not sufficient to establish whether loss-of-function variants in HCN4 cause disease. This variant is not present in population databases (gnomAD no frequency). This variant has not been reported in the literature in individuals affected with HCN4-related conditions. ClinVar contains an entry for this variant (Variation ID: 1520845). In summary, the available evidence is currently insufficient to determine the role of this variant in disease. Therefore, it has been classified as a Variant of Uncertain Significance.

NM_005477.3(HCN4):c.1158dup (p.Arg387fs)

Genes: HCN4 (hyperpolarization activated cyclic nucleotide gated potassium channel 4; minus strand), LOC105370890 (uncharacterized LOC105370890; plus strand), LOC126862173 (CDK7 strongly-dependent group 2 enhancer GRCh37_chr15:73635762-73636961; plus strand). Cytogenetic location: 15q24.1.
Variant type: Duplication.
Coding change: c.1158dup on transcript NM_005477.3 (MANE Select); coding-DNA position 1158, one base duplicated (A; older notation c.1158dupA).
Protein change: p.Arg387fs; shifts the reading frame from arginine 387.
Molecular consequence: frameshift variant.
Genome position (GRCh38, 1-based): chr15:73,343,436, T duplicated on the plus strand (A on the coding strand, the reverse complement: HCN4 is on the minus strand). VCF-style (leftmost placement, unchanged base first): chr15-73343435-G-GT. GRCh37 (hg19) VCF-style: chr15-73635776-G-GT.
Other names: short protein forms R387fs.
Identifiers: ClinVar variation 1520845 (VCV001520845.6), dbSNP rs2151221157, ClinGen allele CA2573151202.